The following is an entry in ClinVar:

ClinVar aggregate classification (germline): Benign/Likely benign. Review status: criteria provided, multiple submitters, no conflicts (2 of 4 stars). 8 submissions from 8 submitters: Benign (7); Likely benign (1). Last evaluated 2026-08-03.

Conditions:
Lynch syndrome. Identifiers: Orphanet 144, MedGen C4552100, MONDO:0005835. Disease mechanism: loss of function.
Familial colorectal cancer type X. Identifiers: Orphanet 440437, MedGen C3896578, MONDO:0018604.
Hereditary cancer-predisposing syndrome. Also called: Neoplastic Syndromes, Hereditary; Tumor predisposition; Hereditary Cancer Syndrome; Hereditary neoplastic syndrome. Identifiers: Orphanet 140162, MedGen C0027672, MeSH D009386, MONDO:0015356.

Allele frequency attached by ClinVar (database versions not stated): gnomAD exomes 0.04428 and 0.04992; ExAC 0.09905; 1000 Genomes Project 30x 0.11368; ESP Exome Variant Server 0.06731; gnomAD 0.09443 and 0.09799; TOPMed 0.10137; 1000 Genomes Project 0.10962.
gnomAD v4.1: 76,994 of 1,560,114 alleles (4.9%); highest among the groups gnomAD compares: African/African-American, 24%; 3,470 homozygotes.

Submissions (8):

Myriad Genetics, Inc.
Classification: Benign for Familial colorectal cancer type X. Last evaluated: 2026-08-03. Review status: criteria provided, single submitter. Criteria: Myriad Autosomal Dominant, Autosomal Recessive and X-Linked Classification Criteria (2023). Collection method: clinical testing. Allele origin: unknown.
Comment: This variant is considered benign. This variant has been observed at a population frequency that is significantly greater than expected given the associated disease prevalence and penetrance.

Institute for Biomarker Research, Medical Diagnostic Laboratories, L.L.C.
Classification: Benign for Hereditary cancer-predisposing syndrome. Last evaluated: 2025-08-04. Review status: criteria provided, single submitter. Criteria: ACMG Guidelines, 2015. Collection method: clinical testing. Allele origin: germline.
Comment: The 5' prime UTR variant NM_001146227.3(RPS20):c.-6A>G has been reported to ClinVar as Benign with a status of (2 stars) criteria provided, multiple submitters, no conflicts (Variation ID 1227732 as of 2025-07-03). The c.-6A>G variant is observed in 549/5,008 (10.9625%) alleles from individuals of 1kG All background in 1kG, indicating it is a common benign variant. The c.-6A>G variant is a UTR variant. For these reasons, this variant has been classified as Benign.

GeneKor MSA
Classification: Benign for Hereditary cancer-predisposing syndrome. Last evaluated: 2025-07-10. Review status: criteria provided, single submitter. Criteria: ACMG Guidelines, 2015. Collection method: clinical testing. Allele origin: germline.

Center for Genomic Medicine, Rigshospitalet, Copenhagen University Hospital
Classification: Benign. Last evaluated: 2025-03-04. Review status: criteria provided, single submitter. Criteria: ACMG Guidelines, 2015. Collection method: clinical testing. Allele origin: germline.

Blueprint Genetics
Classification: Likely benign. Last evaluated: 2024-11-27. Review status: criteria provided, single submitter. Criteria: ACMG Guidelines, 2015. Collection method: clinical testing. Allele origin: germline.

Department of Pathology and Laboratory Medicine, Sinai Health System
Classification: Benign for Lynch syndrome. Last evaluated: 2021-07-13. Review status: criteria provided, single submitter. Criteria: ACMG Guidelines, 2015. Collection method: clinical testing. Allele origin: germline. Affected: no.

GeneDx
Classification: Benign. Last evaluated: 2019-06-15. Review status: criteria provided, single submitter. Criteria: GeneDx Variant Classification Process June 2021. Collection method: clinical testing. Allele origin: germline. Affected: yes.

Breakthrough Genomics
Classification: Benign. Review status: criteria provided, single submitter. Criteria: ACMG Guidelines, 2015. Collection method: not provided. Allele origin: germline. Inheritance: Unknown mechanism. Affected: yes.

NM_001023.4(RPS20):c.-6A>G

Gene: RPS20 (ribosomal protein S20; minus strand). Cytogenetic location: 8q12.1.
Variant type: single nucleotide variant.
Coding change: c.-6A>G on transcript NM_001023.4 (MANE Select); 6 bases upstream of the start codon, A replaced by G.
Molecular consequence: 5 prime UTR variant.
Genome position (GRCh38, 1-based): chr8:56,074,389, T>C on the plus strand (A>G on the coding strand, the complement: RPS20 is on the minus strand). VCF-style: chr8-56074389-T-C. GRCh37 (hg19) VCF-style: chr8-56986948-T-C.
Other names: c.-6A>G (NM_001146227.3, NM_001146227.1).
Identifiers: ClinVar variation 1227732 (VCV001227732.11), dbSNP rs1128142, ClinGen allele CA4754549.
Genomic context (GRCh38, chr8:56,074,389, plus strand): 5'-CCCCGGCGCCCGAGCCCTGCGTTGCGCCGCCCGCCGCCGACTGCCGCCTCACCATGGCTG[T>C]TGCGCGCGGGCTTCCTGACCGACTTGTTCCTCGGCGAGAGCGAACAGCGGTGAGTCAGGA-3'